The following is an entry in ClinVar:

ClinVar aggregate classification (germline): Uncertain significance (1 of 4 stars; one submission).

gnomAD v4.1: 1 of 1,613,646 alleles (0.000062%); highest among the groups gnomAD compares: Non-Finnish European, 0.000085%; no homozygotes.

Submission:

GeneDx
Classification: Uncertain significance. Last evaluated: 2021-05-27. Review status: criteria provided, single submitter. Criteria: GeneDx Variant Classification Process June 2021. Collection method: clinical testing. Allele origin: germline. Affected: yes.
Comment: Not observed at significant frequency in large population cohorts (Lek et al., 2016); In silico analysis supports that this missense variant does not alter protein structure/function; Has not been previously published as pathogenic or benign to our knowledge; This variant is associated with the following publications: (PMID: 27535533)

NM_001303052.2(MYT1L):c.2345C>A (p.Pro782Gln)

Gene: MYT1L (myelin transcription factor 1 like; minus strand). Cytogenetic location: 2p25.3.
Variant type: single nucleotide variant.
Coding change: c.2345C>A on transcript NM_001303052.2 (MANE Select); coding-DNA position 2345, C replaced by A.
Protein change: p.Pro782Gln; replaces proline 782 with glutamine.
Molecular consequence: missense variant.
Genome position (GRCh38, 1-based): chr2:1,889,416, G>T on the plus strand (C>A on the coding strand, the complement: MYT1L is on the minus strand). VCF-style: chr2-1889416-G-T. GRCh37 (hg19) VCF-style: chr2-1893188-G-T.
Other names: c.2345C>A, p.Pro782Gln (NM_001329844.2, NM_001329845.1, NM_001329851.3); c.2339C>A, p.Pro780Gln (NM_001329846.3, NM_001329847.2, NM_001329848.1 and 3 more transcripts); short protein forms P780Q, P782Q.
Identifiers: ClinVar variation 1326490 (VCV001326490.2), dbSNP rs749429732, ClinGen allele CA345711013.